The following is an entry in ClinVar:

NM_001199138.2(NLRC4):c.1934C>T (p.Pro645Leu)

Gene: NLRC4 (NLR family CARD domain containing 4; minus strand). Cytogenetic location: 2p22.3.
Variant type: single nucleotide variant.
Coding change: c.1934C>T on transcript NM_001199138.2 (MANE Select); coding-DNA position 1934, C replaced by T.
Protein change: p.Pro645Leu; replaces proline 645 with leucine.
Molecular consequence: missense variant. On other transcripts: intron variant (1).
Genome position (GRCh38, 1-based): chr2:32,249,930, G>A on the plus strand (C>T on the coding strand, the complement: NLRC4 is on the minus strand). VCF-style: chr2-32249930-G-A. GRCh37 (hg19) VCF-style: chr2-32474999-G-A.
Other names: c.1934C>T, p.Pro645Leu (NM_001199139.2, NM_021209.5); c.262+2489C>T (NM_001302504.1); short protein forms P645L.
Identifiers: ClinVar variation 1053371 (VCV001053371.12), dbSNP rs751650141, ClinGen allele CA346511374.

ClinVar aggregate classification (germline): Uncertain significance. Review status: criteria provided, multiple submitters, no conflicts (2 of 4 stars). 2 submissions from 2 submitters: Uncertain significance (2). Last evaluated 2025-07-15.

Conditions:
Inborn genetic diseases. Identifiers: MedGen C0950123, MeSH D030342.
Familial cold autoinflammatory syndrome 4 (FCAS4). Identifiers: Orphanet 47045, Orphanet 576349, MedGen C4015276, MONDO:0014498, OMIM 616115.
Periodic fever-infantile enterocolitis-autoinflammatory syndrome. Also called: Autoinflammation with infantile enterocolitis. Identifiers: Orphanet 436166, MedGen C4015067, MONDO:0014472, OMIM 616050.

gnomAD v4.1: 3 of 1,614,156 alleles (0.00019%); highest among the groups gnomAD compares: South Asian, 0.0033%; no homozygotes.

Submissions (2):

Ambry Genetics
Classification: Uncertain significance for Inborn genetic diseases. Last evaluated: 2025-07-15. Review status: criteria provided, single submitter. Criteria: Ambry Variant Classification Scheme 2023. Collection method: clinical testing. Allele origin: germline.

Labcorp Genetics (formerly Invitae), Labcorp
Classification: Uncertain significance for Periodic fever-infantile enterocolitis-autoinflammatory syndrome; Familial cold autoinflammatory syndrome 4. Last evaluated: 2020-03-19. Review status: criteria provided, single submitter. Criteria: Invitae Variant Classification Sherloc (09022015). Collection method: clinical testing. Allele origin: germline.
Comment: This variant is not present in population databases (ExAC no frequency). In summary, the available evidence is currently insufficient to determine the role of this variant in disease. Therefore, it has been classified as a Variant of Uncertain Significance. Algorithms developed to predict the effect of missense changes on protein structure and function are either unavailable or do not agree on the potential impact of this missense change (SIFT: "Deleterious"; PolyPhen-2: "Probably Damaging"; Align-GVGD: "Class C0"). This variant has not been reported in the literature in individuals with NLRC4-related conditions. This sequence change replaces proline with leucine at codon 645 of the NLRC4 protein (p.Pro645Leu). The proline residue is highly conserved and there is a moderate physicochemical difference between proline and leucine.